The following is an entry in ClinVar:

NM_001365308.1(BMPER):c.1648_1649del (p.Val550fs)

Gene: BMPER (BMP binding endothelial regulator; plus strand). Cytogenetic location: 7p14.3.
Variant type: Deletion.
Coding change: c.1648_1649del on transcript NM_001365308.1 (MANE Select); coding-DNA positions 1648 to 1649, 2 bases deleted (GT; older notation c.1648_1649delGT).
Protein change: p.Val550fs; shifts the reading frame from valine 550.
Molecular consequence: frameshift variant.
Genome position (GRCh38, 1-based): chr7:34,085,995-34,085,996, GT deleted. VCF-style (leftmost placement, unchanged base first): chr7-34085994-AGT-A. GRCh37 (hg19) VCF-style: chr7-34125606-AGT-A.
Other names: c.1318_1319del, p.Val440fs (NM_001410872.1); c.1648_1649del, p.Val550fs (NM_133468.5); short protein forms V440fs, V550fs.
Identifiers: ClinVar variation 3239384 (VCV003239384.19), dbSNP rs1316675443.

ClinVar aggregate classification (germline): Pathogenic (1 of 4 stars; one submission).

Allele frequency attached by ClinVar (database versions not stated): TOPMed below 0.00001; gnomAD 0.00001.

Submission:

CeGaT Center for Human Genetics Tuebingen
Classification: Pathogenic. Last evaluated: 2024-05-01. Review status: criteria provided, single submitter. Criteria: CeGaT Center For Human Genetics Tuebingen Variant Classification Criteria Version 2. Collection method: clinical testing. Allele origin: germline. Affected: yes. Observed: 1 variant allele.
Comment: BMPER: PVS1, PM2